The following is an entry in ClinVar:

ClinVar aggregate classification (germline): Likely benign. Review status: criteria provided, multiple submitters, no conflicts (2 of 4 stars). 2 submissions from 2 submitters: Likely benign (2). Last evaluated 2026-08-01.

Allele frequency attached by ClinVar (database versions not stated): gnomAD 0.00004; gnomAD exomes 0.00006 and 0.00007; ExAC 0.00007; TOPMed 0.00008.
gnomAD v4.1: 92 of 1,614,058 alleles (0.0057%); highest among the groups gnomAD compares: Non-Finnish European, 0.0071%; no homozygotes.

Submissions (2):

CeGaT Center for Human Genetics Tuebingen
Classification: Likely benign. Last evaluated: 2026-08-01. Review status: criteria provided, single submitter. Criteria: CeGaT Center For Human Genetics Tuebingen Variant Classification Criteria Version 2. Collection method: clinical testing. Allele origin: germline. Affected: yes. Observed: 1 variant allele.
Comment: TAF2: BP4, BP7

Labcorp Genetics (formerly Invitae), Labcorp
Classification: Likely benign. Last evaluated: 2024-10-07. Review status: criteria provided, single submitter. Criteria: Invitae Variant Classification Sherloc (09022015). Collection method: clinical testing. Allele origin: germline.

NM_003184.4(TAF2):c.3516C>T (p.Asp1172=)

Gene: TAF2 (TATA-box binding protein associated factor 2; minus strand). Cytogenetic location: 8q24.12.
Variant type: single nucleotide variant.
Coding change: c.3516C>T on transcript NM_003184.4 (MANE Select); coding-DNA position 3516, C replaced by T.
Protein change: p.Asp1172=; no amino-acid change (aspartic acid 1172 retained).
Molecular consequence: synonymous variant.
Genome position (GRCh38, 1-based): chr8:119,732,008, G>A on the plus strand (C>T on the coding strand, the complement: TAF2 is on the minus strand). VCF-style: chr8-119732008-G-A. GRCh37 (hg19) VCF-style: chr8-120744248-G-A.
Identifiers: ClinVar variation 746060 (VCV000746060.9), dbSNP rs61756215, ClinGen allele CA4856780.
Genomic context (GRCh38, chr8:119,732,008, plus strand): 5'-AATAGACCTGCCACTGGCAGGGCTGGAGAAAGTGAAAGGCTCCTTGTCCTTTTCTTTACT[G>A]TCATGCTTATGCTTGTGTTTGTGCTTATGTTTATGCTTCTTCTTCTTTTTCTTGTGCTCA-3'
Protein context (NP_003175.2, residues 1162-1182): KHKHKHKHKH[Asp1172=]SKEKDKEPFT